The following is an entry in ClinVar:

NM_000038.6(APC):c.423-17dup

Gene: APC (APC regulator of Wnt signaling pathway; plus strand). Cytogenetic location: 5q22.2.
Variant type: Duplication.
Coding change: c.423-17dup on transcript NM_000038.6 (MANE Select); 17 bases into the intron before coding-DNA position 423, one base duplicated (T; older notation c.423-17dupT).
Molecular consequence: intron variant.
Genome position (GRCh38, 1-based): chr5:112,775,612, T duplicated; the last of 7 consecutive T bases (chr5:112,775,606-112,775,612); duplicating any one gives the same sequence. VCF-style (leftmost placement, unchanged base first): chr5-112775605-C-CT. GRCh37 (hg19) VCF-style: chr5-112111302-C-CT.
Other names: c.423-17dupT (NM_000038.6); c.423-17dup (NM_001354895.2, NM_001127510.3, NM_001354896.2 and 2 more transcripts); c.453-17dup (NM_001354897.2, NM_001354902.2, NM_001127511.3); c.348-17dup (NM_001354898.2, NM_001354904.2); c.-613-17dup (NM_001354906.2); c.246-17dup (NM_001354900.2, NM_001354901.2, NM_001354905.2).
Identifiers: ClinVar variation 1174680 (VCV001174680.48), dbSNP rs35031194, ClinGen allele CA3368154.

ClinVar aggregate classification (germline): Benign/Likely benign. Review status: criteria provided, multiple submitters, no conflicts (2 of 4 stars). 8 submissions from 8 submitters: Benign (5); Likely benign (1). 2 of the submissions do not count toward it. Last evaluated 2026-09-01.

Conditions:
Familial adenomatous polyposis 1 (FAP1). Also called: FAMILIAL ADENOMATOUS POLYPOSIS 1, ATTENUATED; POLYPOSIS, ADENOMATOUS INTESTINAL. Identifiers: MedGen C2713442, MONDO:0021056, OMIM 175100. Disease mechanism: loss of function.

Submissions (8):

CeGaT Center for Human Genetics Tuebingen
Classification: Benign. Last evaluated: 2026-09-01. Review status: criteria provided, single submitter. Criteria: CeGaT Center For Human Genetics Tuebingen Variant Classification Criteria Version 2. Collection method: clinical testing. Allele origin: germline. Affected: yes. Observed: 159 variant alleles.
Comment: APC: BS1, BS2

Center for Genomic Medicine, Rigshospitalet, Copenhagen University Hospital
Classification: Benign. Last evaluated: 2025-03-04. Review status: criteria provided, single submitter. Criteria: ACMG Guidelines, 2015. Collection method: clinical testing. Allele origin: germline.

Blueprint Genetics
Classification: Likely benign. Last evaluated: 2024-11-22. Review status: criteria provided, single submitter. Criteria: ACMG Guidelines, 2015. Collection method: clinical testing. Allele origin: germline.

Myriad Genetics, Inc.
Classification: Benign for Familial adenomatous polyposis 1. Last evaluated: 2024-02-23. Review status: criteria provided, single submitter. Criteria: Myriad Autosomal Dominant, Autosomal Recessive and X-Linked Classification Criteria (2023). Collection method: clinical testing. Allele origin: unknown.
Comment: This variant is considered benign. This variant is intronic and is not expected to impact mRNA splicing.

Quest Diagnostics Nichols Institute San Juan Capistrano
Classification: Benign. Last evaluated: 2020-11-05. Review status: criteria provided, single submitter. Criteria: Quest Diagnostics criteria. Collection method: clinical testing. Allele origin: unknown.

GeneDx
Classification: Benign. Last evaluated: 2015-03-03. Review status: criteria provided, single submitter. Criteria: GeneDx Variant Classification Process June 2021. Collection method: clinical testing. Allele origin: germline. Affected: yes.

Diagnostic Laboratory, Department of Genetics, University Medical Center Groningen
Classification: Likely benign. Review status: no assertion criteria provided. Collection method: clinical testing. Allele origin: germline. Affected: yes. Study: VKGL Data-share Consensus. Not counted in ClinVar's aggregate classification.

Laboratory of Diagnostic Genome Analysis, Leiden University Medical Center (LUMC)
Classification: Benign. Review status: no assertion criteria provided. Collection method: clinical testing. Allele origin: germline. Affected: yes. Study: VKGL Data-share Consensus. Not counted in ClinVar's aggregate classification.